The following is an entry in ClinVar:

ClinVar aggregate classification (germline): Likely pathogenic (1 of 4 stars; one submission).

Conditions:
Cobblestone lissencephaly without muscular or ocular involvement. Also called: Lissencephaly 5; LEUKOENCEPHALOPATHY WITH VARIABLE CORTICAL BRAIN MALFORMATIONS AND/OR HYDROCEPHALUS. Identifiers: Orphanet 352682, MedGen C3554657, MONDO:0014077, OMIM 615191.

Submission:

Institute of Medical Genetics and Applied Genomics, University Hospital Tübingen
Classification: Likely pathogenic for Cobblestone lissencephaly without muscular or ocular involvement. Last evaluated: 2023-04-13. Review status: criteria provided, single submitter. Criteria: ACMG Guidelines, 2015. Collection method: clinical testing. Allele origin: germline. Inheritance: Autosomal recessive inheritance. Affected: yes.
Comment: atypical phenotype

GRCh38/hg38 7q31.1(chr7:107951205-107952243)x0

Gene: LAMB1 (laminin subunit beta 1; minus strand). Cytogenetic location: 7q31.1.
Variant type: copy number loss.
Change: copy number 0 (both copies lost) of chr7:107,951,205-107,952,243 (1.0 kb, GRCh38 coordinates, 1-based), cytogenetic band 7q31.1.
Identifiers: ClinVar variation 2498207 (VCV002498207.1).